The following is an entry in ClinVar:

NM_000117.3(EMD):c.302C>G (p.Thr101Ser)

Gene: EMD (emerin; plus strand). Cytogenetic location: Xq28.
Variant type: single nucleotide variant.
Coding change: c.302C>G on transcript NM_000117.3 (MANE Select); coding-DNA position 302, C replaced by G.
Protein change: p.Thr101Ser; replaces threonine 101 with serine.
Molecular consequence: missense variant.
Genome position (GRCh38, 1-based): chrX:154,380,270, C>G. VCF-style: chrX-154380270-C-G. GRCh37 (hg19) VCF-style: chrX-153608630-C-G.
Other names: short protein forms T101S.
Identifiers: ClinVar variation 1799010 (VCV001799010.4), dbSNP rs1023451135, ClinGen allele CA337289636.

ClinVar aggregate classification (germline): Uncertain significance. Review status: criteria provided, multiple submitters, no conflicts (2 of 4 stars). 2 submissions from 2 submitters: Uncertain significance (2). Last evaluated 2024-06-16.

Conditions:
Cardiovascular phenotype. Identifiers: MedGen CN230736.
X-linked Emery-Dreifuss muscular dystrophy. Also called: Muscular dystrophy, tardive Emery-Dreifuss type, with contractures. Identifiers: Orphanet 261, Orphanet 98863, MedGen C0751337, MONDO:0010680.

Submissions (2):

Labcorp Genetics (formerly Invitae), Labcorp
Classification: Uncertain significance for X-linked Emery-Dreifuss muscular dystrophy. Last evaluated: 2024-06-16. Review status: criteria provided, single submitter. Criteria: Invitae Variant Classification Sherloc (09022015). Collection method: clinical testing. Allele origin: germline.
Comment: This sequence change replaces threonine, which is neutral and polar, with serine, which is neutral and polar, at codon 101 of the EMD protein (p.Thr101Ser). This variant is not present in population databases (gnomAD no frequency). This variant has not been reported in the literature in individuals affected with EMD-related conditions. ClinVar contains an entry for this variant (Variation ID: 1799010). Advanced modeling of protein sequence and biophysical properties (such as structural, functional, and spatial information, amino acid conservation, physicochemical variation, residue mobility, and thermodynamic stability) performed at Invitae indicates that this missense variant is not expected to disrupt EMD protein function with a negative predictive value of 80%. In summary, the available evidence is currently insufficient to determine the role of this variant in disease. Therefore, it has been classified as a Variant of Uncertain Significance.

Ambry Genetics
Classification: Uncertain significance for Cardiovascular phenotype. Last evaluated: 2020-10-13. Review status: criteria provided, single submitter. Criteria: Ambry Variant Classification Scheme 2023. Collection method: clinical testing. Allele origin: germline.
Comment: The p.T101S variant (also known as c.302C>G), located in coding exon 4 of the EMD gene, results from a C to G substitution at nucleotide position 302. The threonine at codon 101 is replaced by serine, an amino acid with similar properties. This amino acid position is not well conserved in available vertebrate species, and serine is the reference amino acid in other vertebrate species. In addition, this alteration is predicted to be tolerated by in silico analysis. Since supporting evidence is limited at this time, the clinical significance of this alteration remains unclear.